The following is an entry in ClinVar:

NM_138383.3(MTSS2):c.2200C>T (p.Arg734Cys)

Gene: MTSS2 (MTSS I-BAR domain containing 2; minus strand). Cytogenetic location: 16q22.1.
Variant type: single nucleotide variant.
Coding change: c.2200C>T on transcript NM_138383.3 (MANE Select); coding-DNA position 2200, C replaced by T.
Protein change: p.Arg734Cys; replaces arginine 734 with cysteine.
Molecular consequence: missense variant.
Genome position (GRCh38, 1-based): chr16:70,663,721, G>A on the plus strand (C>T on the coding strand, the complement: MTSS2 is on the minus strand). VCF-style: chr16-70663721-G-A. GRCh37 (hg19) VCF-style: chr16-70697624-G-A.
Other names: short protein forms R734C.
Identifiers: ClinVar variation 3399699 (VCV003399699.2).

ClinVar aggregate classification (germline): Uncertain significance. Review status: criteria provided, multiple submitters, no conflicts (2 of 4 stars). 2 submissions from 2 submitters: Uncertain significance (2). Last evaluated 2025-11-20.

gnomAD v4.1: 45 of 1,584,476 alleles (0.0028%); highest among the groups gnomAD compares: South Asian, 0.0057%; no homozygotes.

Submissions (2):

Women's Health and Genetics/Laboratory Corporation of America, LabCorp
Classification: Uncertain significance. Last evaluated: 2025-11-20. Review status: criteria provided, single submitter. Criteria: LabCorp Variant Classification Summary - May 2015. Collection method: clinical testing. Allele origin: germline.
Comment: Variant summary: MTSS2 c.2200C>T (p.Arg734Cys) results in a non-conservative amino acid change in the encoded protein sequence. Algorithms developed to predict the effect of missense changes on protein structure and function all suggest that this variant is likely to be disruptive. The variant allele was found at a frequency of 4.1e-05 in 192778 control chromosomes in the gnomAD database, including 1 homozygote. The available data on variant occurrences in the general population are insufficient to allow any conclusion about variant significance. To our knowledge, no occurrence of c.2200C>T in individuals affected with MTSS2-related conditions and no experimental evidence demonstrating its impact on protein function have been reported. ClinVar contains an entry for this variant (Variation ID: 3399699). Based on the evidence outlined above, the variant was classified as uncertain significance.

Ambry Genetics
Classification: Uncertain significance. Last evaluated: 2024-11-24. Review status: criteria provided, single submitter. Criteria: Ambry Variant Classification Scheme 2023. Collection method: clinical testing. Allele origin: germline.